The following is an entry in ClinVar:

ClinVar aggregate classification (germline): Uncertain significance. Review status: criteria provided, multiple submitters, no conflicts (2 of 4 stars). 5 submissions from 5 submitters: Uncertain significance (5). Last evaluated 2026-05-01.

Conditions:
Ullrich congenital muscular dystrophy 2 (UCMD2). Identifiers: Orphanet 75840, MedGen C4225314, MONDO:0014654, OMIM 616470.
Bethlem myopathy 2 (BTHLM2). Identifiers: Orphanet 536516, Orphanet 610, MedGen C4225313, MONDO:0034022, OMIM 616471.

Allele frequency attached by ClinVar (database versions not stated): gnomAD exomes 0.00001 and 0.00005; ExAC 0.00002; gnomAD 0.00004; TOPMed 0.00005; ESP Exome Variant Server 0.00009.
gnomAD v4.1: 80 of 1,580,162 alleles (0.0051%); highest among the groups gnomAD compares: African/African-American, 0.011%; no homozygotes.

Submissions (5):

CeGaT Center for Human Genetics Tuebingen
Classification: Uncertain significance. Last evaluated: 2026-05-01. Review status: criteria provided, single submitter. Criteria: CeGaT Center For Human Genetics Tuebingen Variant Classification Criteria Version 2. Collection method: clinical testing. Allele origin: germline. Affected: yes. Observed: 1 variant allele.
Comment: COL12A1: PM2

Labcorp Genetics (formerly Invitae), Labcorp
Classification: Uncertain significance for Bethlem myopathy 2; Ullrich congenital muscular dystrophy 2. Last evaluated: 2025-12-06. Review status: criteria provided, single submitter. Criteria: Invitae Variant Classification Sherloc (09022015). Collection method: clinical testing. Allele origin: germline.
Comment: This sequence change replaces leucine, which is neutral and non-polar, with serine, which is neutral and polar, at codon 2203 of the COL12A1 protein (p.Leu2203Ser). This variant is present in population databases (rs370244195, gnomAD 0.009%). This variant has not been reported in the literature in individuals affected with COL12A1-related conditions. ClinVar contains an entry for this variant (Variation ID: 576192). An algorithm developed to predict the effect of missense changes on protein structure and function (PolyPhen-2) suggests that this variant is likely to be disruptive. In summary, the available evidence is currently insufficient to determine the role of this variant in disease. Therefore, it has been classified as a Variant of Uncertain Significance.

Women's Health and Genetics/Laboratory Corporation of America, LabCorp
Classification: Uncertain significance. Last evaluated: 2025-11-28. Review status: criteria provided, single submitter. Criteria: LabCorp Variant Classification Summary - May 2015. Collection method: clinical testing. Allele origin: germline.
Comment: Variant summary: COL12A1 c.6608T>C (p.Leu2203Ser) results in a non-conservative amino acid change in the encoded protein sequence. Algorithms developed to predict the effect of missense changes on protein structure and function are either unavailable or do not agree on the potential impact of this missense change. Consensus agreement among computation tools predict no significant impact on normal splicing. However, these predictions have yet to be confirmed by functional studies. The variant allele was found at a frequency of 1.3e-05 in 232726 control chromosomes. The available data on variant occurrences in the general population are insufficient to allow any conclusion about variant significance. To our knowledge, no occurrence of c.6608T>C in individuals affected with COL12A1-related conditions and no experimental evidence demonstrating its impact on protein function have been reported. ClinVar contains an entry for this variant (Variation ID: 576192). Based on the evidence outlined above, the variant was classified as uncertain significance.

GeneDx
Classification: Uncertain significance. Last evaluated: 2024-06-21. Review status: criteria provided, single submitter. Criteria: GeneDx Variant Classification Process June 2021. Collection method: clinical testing. Allele origin: germline. Affected: yes.
Comment: Has not been previously published as pathogenic or benign to our knowledge; In silico analysis supports that this missense variant has a deleterious effect on protein structure/function

Revvity Omics, Revvity
Classification: Uncertain significance. Last evaluated: 2024-03-14. Review status: criteria provided, single submitter. Criteria: ACMG Guidelines, 2015. Collection method: clinical testing. Allele origin: germline.

Literature cited by the submitters: PubMed 26362251 (cited by Women's Health and Genetics/Laboratory Corporation of America, LabCorp).

NM_004370.6(COL12A1):c.6608T>C (p.Leu2203Ser)

Gene: COL12A1 (collagen type XII alpha 1 chain; minus strand). Cytogenetic location: 6q13.
Variant type: single nucleotide variant.
Coding change: c.6608T>C on transcript NM_004370.6 (MANE Select); coding-DNA position 6608, T replaced by C.
Protein change: p.Leu2203Ser; replaces leucine 2203 with serine.
Molecular consequence: missense variant.
Genome position (GRCh38, 1-based): chr6:75,124,371, A>G on the plus strand (T>C on the coding strand, the complement: COL12A1 is on the minus strand). VCF-style: chr6-75124371-A-G. GRCh37 (hg19) VCF-style: chr6-75834087-A-G.
Other names: c.3116T>C, p.Leu1039Ser (NM_080645.3); short protein forms L2203S, L1039S.
Identifiers: ClinVar variation 576192 (VCV000576192.17), dbSNP rs370244195, ClinGen allele CA3892760.
Genomic context (GRCh38, chr6:75,124,371, plus strand): 5'-TTGACACAGAATGTATCCCACCCAATCTGGTAAGTTTTCAGATCTGTTACATTTAAATAT[A>G]CTACAAAATAAAGAAAGAAAGAGATTTACTTTGTAAATTGAGGCAAAAAGTGTACTTTTA-3'
Protein context (NP_004361.3, residues 2193-2213): SVPLTDQGTT[Leu2203Ser]YLNVTDLKTY